The following is an entry in ClinVar:

ClinVar aggregate classification (germline): Uncertain significance (1 of 4 stars; one submission).

Conditions:
Tuberous sclerosis 1 (TSC1). Identifiers: Orphanet 805, MedGen C1854465, MONDO:0008612, OMIM 191100.

Submission:

Labcorp Genetics (formerly Invitae), Labcorp
Classification: Uncertain significance for Tuberous sclerosis 1. Last evaluated: 2022-10-27. Review status: criteria provided, single submitter. Criteria: Invitae Variant Classification Sherloc (09022015). Collection method: clinical testing. Allele origin: germline.
Comment: In summary, the available evidence is currently insufficient to determine the role of this variant in disease. Therefore, it has been classified as a Variant of Uncertain Significance. Advanced modeling of protein sequence and biophysical properties (such as structural, functional, and spatial information, amino acid conservation, physicochemical variation, residue mobility, and thermodynamic stability) performed at Invitae indicates that this missense variant is not expected to disrupt TSC1 protein function. This variant has not been reported in the literature in individuals affected with TSC1-related conditions. This variant is not present in population databases (gnomAD no frequency). This sequence change replaces lysine, which is basic and polar, with glutamic acid, which is acidic and polar, at codon 477 of the TSC1 protein (p.Lys477Glu).

NM_000368.5(TSC1):c.1429A>G (p.Lys477Glu)

Gene: TSC1 (TSC complex subunit 1; minus strand). Cytogenetic location: 9q34.13.
Variant type: single nucleotide variant.
Coding change: c.1429A>G on transcript NM_000368.5 (MANE Select); coding-DNA position 1429, A replaced by G.
Protein change: p.Lys477Glu; replaces lysine 477 with glutamic acid.
Molecular consequence: missense variant. On other transcripts: non-coding transcript variant (5).
Genome position (GRCh38, 1-based): chr9:132,906,740, T>C on the plus strand (A>G on the coding strand, the complement: TSC1 is on the minus strand). VCF-style: chr9-132906740-T-C. GRCh37 (hg19) VCF-style: chr9-135782127-T-C.
Other names: c.1426A>G, p.Lys476Glu (NM_001162426.2, NM_001406597.1, NM_001406598.1 and 6 more transcripts); c.1276A>G, p.Lys426Glu (NM_001162427.2, NM_001406610.1); c.1066A>G, p.Lys356Glu (NM_001362177.2, NM_001406614.1, NM_001406615.1 and 5 more transcripts); c.1429A>G, p.Lys477Glu (NM_001406592.1, NM_001406593.1, NM_001406594.1 and 7 more transcripts); c.1063A>G, p.Lys355Glu (NM_001406620.1, NM_001406621.1, NM_001406622.1 and 2 more transcripts); c.478A>G, p.Lys160Glu (NM_001406626.1); c.475A>G, p.Lys159Glu (NM_001406627.1, NM_001406628.1); c.376A>G, p.Lys126Glu (NM_001406629.1, NM_001406630.1); and 1 more; short protein forms K356E, K476E, K477E, K126E, K159E, K160E, K425E, K426E.
Identifiers: ClinVar variation 2810184 (VCV002810184.3), dbSNP rs2131862235, ClinGen allele CA375365780.